The following is an entry in ClinVar:

NM_001165963.4(SCN1A):c.2238A>T (p.Leu746Phe)

Gene: SCN1A (sodium voltage-gated channel alpha subunit 1; minus strand). Cytogenetic location: 2q24.3.
Variant type: single nucleotide variant.
Coding change: c.2238A>T on transcript NM_001165963.4 (MANE Select); coding-DNA position 2238, A replaced by T.
Protein change: p.Leu746Phe; replaces leucine 746 with phenylalanine.
Molecular consequence: missense variant. On other transcripts: 5 prime UTR variant (1), non-coding transcript variant (1).
Genome position (GRCh38, 1-based): chr2:166,041,408, T>A on the plus strand (A>T on the coding strand, the complement: SCN1A is on the minus strand). VCF-style: chr2-166041408-T-A. GRCh37 (hg19) VCF-style: chr2-166897918-T-A.
Other names: c.2154A>T, p.Leu718Phe (NM_001165964.3, NM_001353957.2, NM_001353958.2); c.2238A>T, p.Leu746Phe (NM_001202435.3, NM_001353948.2); c.2205A>T, p.Leu735Phe (NM_001353949.2, NM_001353950.2, NM_001353951.2 and 2 more transcripts); c.2202A>T, p.Leu734Phe (NM_001353954.2, NM_001353955.2); c.2151A>T, p.Leu717Phe (NM_001353960.2); c.-221A>T (NM_001353961.2); short protein forms L718F, L746F, L717F, L734F, L735F.
Identifiers: ClinVar variation 3634049 (VCV003634049.2).

ClinVar aggregate classification (germline): Uncertain significance (1 of 4 stars; one submission).

Conditions:
Early-infantile DEE. Also called: Early infantile epileptic encephalopathy; Ohtahara syndrome; Early infantile epileptic encephalopathy with suppression bursts. Identifiers: Orphanet 1934, MedGen C0393706, MONDO:0800491.

gnomAD v4.1: 1 of 1,612,212 alleles (0.000062%); no homozygotes.

Submission:

Labcorp Genetics (formerly Invitae), Labcorp
Classification: Uncertain significance for Early-infantile DEE. Last evaluated: 2024-09-03. Review status: criteria provided, single submitter. Criteria: Invitae Variant Classification Sherloc (09022015). Collection method: clinical testing. Allele origin: germline.
Comment: This sequence change replaces leucine, which is neutral and non-polar, with phenylalanine, which is neutral and non-polar, at codon 746 of the SCN1A protein (p.Leu746Phe). This variant is present in population databases (no rsID available, gnomAD 0.01%). This variant has not been reported in the literature in individuals affected with SCN1A-related conditions. Invitae Evidence Modeling of protein sequence and biophysical properties (such as structural, functional, and spatial information, amino acid conservation, physicochemical variation, residue mobility, and thermodynamic stability) indicates that this missense variant is expected to disrupt SCN1A protein function with a positive predictive value of 95%. In summary, the available evidence is currently insufficient to determine the role of this variant in disease. Therefore, it has been classified as a Variant of Uncertain Significance.